The following is an entry in ClinVar:

NM_015267.4(CUX2):c.821T>G (p.Ile274Ser)

Gene: CUX2 (cut like homeobox 2; plus strand). Cytogenetic location: 12q24.12.
Variant type: single nucleotide variant.
Coding change: c.821T>G on transcript NM_015267.4 (MANE Select); coding-DNA position 821, T replaced by G.
Protein change: p.Ile274Ser; replaces isoleucine 274 with serine.
Molecular consequence: missense variant.
Genome position (GRCh38, 1-based): chr12:111,304,277, T>G. VCF-style: chr12-111304277-T-G. GRCh37 (hg19) VCF-style: chr12-111742081-T-G.
Other names: c.635T>G, p.Ile212Ser (NM_001370598.1); short protein forms I212S, I274S.
Identifiers: ClinVar variation 2643295 (VCV002643295.24), dbSNP rs1886463346, ClinGen allele CA386707201.

ClinVar aggregate classification (germline): Uncertain significance (1 of 4 stars; one submission).

Allele frequency attached by ClinVar (database versions not stated): TOPMed below 0.00001.

Submission:

CeGaT Center for Human Genetics Tuebingen
Classification: Uncertain significance. Last evaluated: 2022-11-01. Review status: criteria provided, single submitter. Criteria: CeGaT Center For Human Genetics Tuebingen Variant Classification Criteria Version 2. Collection method: clinical testing. Allele origin: germline. Affected: yes. Observed: 1 variant allele.
Comment: CUX2: PM2